The following is an entry in ClinVar:

NM_031885.5(BBS2):c.913T>G (p.Leu305Val)

Gene: BBS2 (Bardet-Biedl syndrome 2; minus strand). Cytogenetic location: 16q13.
Variant type: single nucleotide variant.
Coding change: c.913T>G on transcript NM_031885.5 (MANE Select); coding-DNA position 913, T replaced by G.
Protein change: p.Leu305Val; replaces leucine 305 with valine.
Molecular consequence: missense variant. On other transcripts: non-coding transcript variant (5).
Genome position (GRCh38, 1-based): chr16:56,502,700, A>C on the plus strand (T>G on the coding strand, the complement: BBS2 is on the minus strand). VCF-style: chr16-56502700-A-C. GRCh37 (hg19) VCF-style: chr16-56536612-A-C.
Other names: c.913T>G, p.Leu305Val (NM_001377456.1); short protein forms L305V.
Identifiers: ClinVar variation 1005506 (VCV001005506.9), dbSNP rs1964310691, ClinGen allele CA395981215.

ClinVar aggregate classification (germline): Uncertain significance. Review status: criteria provided, single submitter (1 of 4 stars). 2 submissions from 2 submitters: Uncertain significance (1). 1 of the submissions does not count toward it. Last evaluated 2022-02-23.

Conditions:
Bardet-Biedl syndrome (BBS). Identifiers: Orphanet 110, MedGen C0752166, MONDO:0015229.
Bardet-Biedl syndrome 2 (BBS2). Identifiers: Orphanet 110, MedGen C2936863, MONDO:0014432, OMIM 615981.

Submissions (2):

Labcorp Genetics (formerly Invitae), Labcorp
Classification: Uncertain significance for Bardet-Biedl syndrome. Last evaluated: 2022-02-23. Review status: criteria provided, single submitter. Criteria: Invitae Variant Classification Sherloc (09022015). Collection method: clinical testing. Allele origin: germline.
Comment: In summary, the available evidence is currently insufficient to determine the role of this variant in disease. Therefore, it has been classified as a Variant of Uncertain Significance. Algorithms developed to predict the effect of sequence changes on RNA splicing suggest that this variant may disrupt the consensus splice site. Algorithms developed to predict the effect of missense changes on protein structure and function are either unavailable or do not agree on the potential impact of this missense change (SIFT: "Tolerated"; PolyPhen-2: "Probably Damaging"; Align-GVGD: "Class C0"). ClinVar contains an entry for this variant (Variation ID: 1005506). This variant has not been reported in the literature in individuals affected with BBS2-related conditions. This variant is not present in population databases (gnomAD no frequency). This sequence change replaces leucine, which is neutral and non-polar, with valine, which is neutral and non-polar, at codon 305 of the BBS2 protein (p.Leu305Val).

Natera, Inc.
Classification: Uncertain significance for Bardet-Biedl syndrome type 2. Last evaluated: 2021-07-06. Review status: no assertion criteria provided. Collection method: clinical testing. Allele origin: germline. Not counted in ClinVar's aggregate classification.